The following is an entry in ClinVar:

NM_024306.5(FA2H):c.*404T>A

Gene: FA2H (fatty acid 2-hydroxylase; minus strand). Cytogenetic location: 16q23.1.
Variant type: single nucleotide variant.
Coding change: c.*404T>A on transcript NM_024306.5 (MANE Select); 404 bases downstream of the stop codon, T replaced by A.
Molecular consequence: 3 prime UTR variant.
Genome position (GRCh38, 1-based): chr16:74,713,786, A>T on the plus strand (T>A on the coding strand, the complement: FA2H is on the minus strand). VCF-style: chr16-74713786-A-T. GRCh37 (hg19) VCF-style: chr16-74747684-A-T.
Identifiers: ClinVar variation 320481 (VCV000320481.6), dbSNP rs73614641, ClinGen allele CA10648935.

ClinVar aggregate classification (germline): Benign. Review status: criteria provided, multiple submitters, no conflicts (2 of 4 stars). 2 submissions from 2 submitters: Benign (2). Last evaluated 2018-01-13.

Conditions:
Hereditary spastic paraplegia 35. Also called: Spastic paraplegia 35; SPASTIC PARAPLEGIA 35, AUTOSOMAL RECESSIVE, WITH OR WITHOUT NEURODEGENERATION; LEUKODYSTROPHY, DYSMYELINATING, AND SPASTIC PARAPARESIS WITH OR WITHOUT DYSTONIA; Spastic paraplegia 35, autosomal recessive. Identifiers: Orphanet 171629, MedGen C3496228, MONDO:0012866, OMIM 612319.

Allele frequency attached by ClinVar (database versions not stated): 1000 Genomes Project 0.07907; 1000 Genomes Project 30x 0.08167; TOPMed 0.08759.
gnomAD v4.1: 13,240 of 198,208 alleles (6.7%); highest among the groups gnomAD compares: African/African-American, 23%; 1,210 homozygotes.

Submissions (2):

Illumina Laboratory Services, Illumina
Classification: Benign for Hereditary spastic paraplegia 35. Last evaluated: 2018-01-13. Review status: criteria provided, single submitter. Criteria: ICSL Variant Classification Criteria 13 December 2019. Collection method: clinical testing. Allele origin: germline.
Comment: This variant was observed in the ICSL laboratory as part of a predisposition screen in an ostensibly healthy population. It had not been previously curated by ICSL or reported in the Human Gene Mutation Database (HGMD: prior to June 1st, 2018), and was therefore a candidate for classification through an automated scoring system. Utilizing variant allele frequency, disease prevalence and penetrance estimates, and inheritance mode, an automated score was calculated to assess if this variant is too frequent to cause the disease. Based on the score and internal cut-off values, a variant classified as benign is not then subjected to further curation. The score for this variant resulted in a classification of benign for this disease.

Breakthrough Genomics
Classification: Benign. Review status: criteria provided, single submitter. Criteria: ACMG Guidelines, 2015. Collection method: not provided. Allele origin: germline. Inheritance: Autosomal recessive inheritance. Affected: yes.